The following is an entry in ClinVar:

ClinVar aggregate classification (germline): Likely pathogenic (0 of 4 stars; one submission).

Conditions:
Treacher Collins syndrome 1 (TCS1). Also called: TCOF1-Related Treacher Collins Syndrome. Identifiers: Orphanet 861, MedGen CN315775, MONDO:0007944, OMIM 154500.

Submission:

Centro de Investigación Genética Y Genómica, Universidad UTE
Classification: Likely pathogenic for Treacher Collins syndrome 1. Review status: no assertion criteria provided. Collection method: clinical testing. Allele origin: germline. Affected: yes.
Comment: The variant leads to a premature termination codon at position p. (Lys1475Ter), resulting in a truncated protein. A premature stop codon in the last exons has been associated with a more severe phenotype in TCS

Literature cited by the submitters: PubMed 32909271.

NM_001371623.1(TCOF1):c.4426A>T (p.Lys1476Ter)

Gene: TCOF1 (treacle ribosome biogenesis factor 1; plus strand). Cytogenetic location: 5q32.
Variant type: single nucleotide variant.
Coding change: c.4426A>T on transcript NM_001371623.1 (MANE Select); coding-DNA position 4426, A replaced by T.
Protein change: p.Lys1476Ter; replaces lysine 1476 with a stop codon.
Molecular consequence: nonsense.
Genome position (GRCh38, 1-based): chr5:150,398,434, A>T. VCF-style: chr5-150398434-A-T. GRCh37 (hg19) VCF-style: chr5-149777997-A-T.
Other names: c.4192A>T, p.Lys1398Ter (NM_000356.4); c.4423A>T, p.Lys1475Ter (NM_001135243.2); c.4312A>T, p.Lys1438Ter (NM_001135244.2); c.4195A>T, p.Lys1399Ter (NM_001135245.2); c.4309A>T, p.Lys1437Ter (NM_001195141.2); short protein forms K1398*, K1399*, K1437*, K1438*, K1475*, K1476*.
Identifiers: ClinVar variation 3774485 (VCV003774485.2).
Genomic context (GRCh38, chr5:150,398,434, plus strand): 5'-AAAGAAAAGAAGAAGAAAGCAAAAAAGGCCTCAACCAAAGATTCTGAGTCACCGTCCCAG[A>T]AGAAAAAGAAGAAAAAGGTAGAGAGTTCCTGGGGTGTCTCAGGCCAGAAAACAGACCCAA-3'